The following is an entry in ClinVar:

NM_001352754.2(ARMC9):c.1148C>T (p.Thr383Met)

Gene: ARMC9 (armadillo repeat containing 9; plus strand). Cytogenetic location: 2q37.1.
Variant type: single nucleotide variant.
Coding change: c.1148C>T on transcript NM_001352754.2 (MANE Select); coding-DNA position 1148, C replaced by T.
Protein change: p.Thr383Met; replaces threonine 383 with methionine.
Molecular consequence: missense variant. On other transcripts: non-coding transcript variant (1).
Genome position (GRCh38, 1-based): chr2:231,271,010, C>T. VCF-style: chr2-231271010-C-T. GRCh37 (hg19) VCF-style: chr2-232135723-C-T.
Other names: c.1148C>T (NM_025139.5); c.1148C>T, p.Thr383Met (NM_001271466.4, NM_001291656.2, NM_001352755.2 and 3 more transcripts); c.1049C>T, p.Thr350Met (NM_001352757.2, NM_001352758.2); short protein forms T350M, T383M.
Identifiers: ClinVar variation 1146102 (VCV001146102.12), dbSNP rs527487315, ClinGen allele CA2160212.

ClinVar aggregate classification (germline): Benign/Likely benign. Review status: criteria provided, multiple submitters, no conflicts (2 of 4 stars). 3 submissions from 3 submitters: Benign (1); Likely benign (1). 1 of the submissions does not count toward it. Last evaluated 2025-09-16.

Conditions:
ARMC9-related disorder. Also called: ARMC9-related condition.

Allele frequency attached by ClinVar (database versions not stated): gnomAD 0.00001 and 0.00008; TOPMed 0.00002; ExAC 0.00027; 1000 Genomes Project 30x 0.00031; 1000 Genomes Project 0.00040.
gnomAD v4.1: 247 of 1,614,160 alleles (0.015%); highest among the groups gnomAD compares: South Asian, 0.23%; 3 homozygotes.

Submissions (3):

Labcorp Genetics (formerly Invitae), Labcorp
Classification: Likely benign. Last evaluated: 2025-09-16. Review status: criteria provided, single submitter. Criteria: Invitae Variant Classification Sherloc (09022015). Collection method: clinical testing. Allele origin: germline.

Blueprint Genetics
Classification: Benign. Last evaluated: 2024-10-22. Review status: criteria provided, single submitter. Criteria: ACMG Guidelines, 2015. Collection method: clinical testing. Allele origin: germline.

PreventionGenetics, part of Exact Sciences
Classification: Likely benign for ARMC9-related condition. Last evaluated: 2022-03-07. Review status: no assertion criteria provided. Collection method: clinical testing. Allele origin: germline. Not counted in ClinVar's aggregate classification.
Comment: This variant is classified as likely benign based on ACMG/AMP sequence variant interpretation guidelines (Richards et al. 2015 PMID: 25741868, with internal and published modifications).